The following is an entry in ClinVar:

ClinVar aggregate classification (germline): Pathogenic. Review status: criteria provided, multiple submitters, no conflicts (2 of 4 stars). 2 submissions from 2 submitters: Pathogenic (2). Last evaluated 2023-09-20.

Conditions:
Hereditary cancer-predisposing syndrome. Also called: Neoplastic Syndromes, Hereditary; Tumor predisposition; Hereditary Cancer Syndrome; Hereditary neoplastic syndrome. Identifiers: Orphanet 140162, MedGen C0027672, MeSH D009386, MONDO:0015356.
Lynch syndrome 4 (LYNCH4). Also called: Colorectal cancer, hereditary nonpolyposis, type 4; Hereditary non-polyposis colorectal cancer, type 4. Identifiers: Orphanet 144, MedGen C1838333, MONDO:0013699, OMIM 614337. Disease mechanism: loss of function.

Submissions (2):

Myriad Genetics, Inc.
Classification: Pathogenic for Lynch syndrome 4. Last evaluated: 2023-09-20. Review status: criteria provided, single submitter. Criteria: Myriad Autosomal Dominant, Autosomal Recessive and X-Linked Classification Criteria (2023). Collection method: clinical testing. Allele origin: unknown.
Comment: This variant is considered pathogenic. This variant creates a frameshift predicted to result in premature protein truncation.

Ambry Genetics
Classification: Pathogenic for Hereditary cancer-predisposing syndrome. Last evaluated: 2016-11-08. Review status: criteria provided, single submitter. Criteria: Ambry Variant Classification Scheme 2023. Collection method: clinical testing. Allele origin: germline.
Comment: The c.1756delT pathogenic mutation, located in coding exon 11 of the PMS2 gene, results from a deletion of one nucleotide at nucleotide position 1756, causing a translational frameshift with a predicted alternate stop codon. This alteration is expected to result in loss of function by premature protein truncation or nonsense-mediated mRNA decay. As such, this alteration is interpreted as a disease-causing mutation.

NM_000535.7(PMS2):c.1756del (p.Ser586fs)

Gene: PMS2 (PMS1 homolog 2, mismatch repair system component; minus strand). Cytogenetic location: 7p22.1.
Variant type: Deletion.
Coding change: c.1756del on transcript NM_000535.7 (MANE Select); coding-DNA position 1756, one base deleted (T; older notation c.1756delT).
Protein change: p.Ser586fs; shifts the reading frame from serine 586.
Molecular consequence: frameshift variant. On other transcripts: non-coding transcript variant (1).
Genome position (GRCh38, 1-based): chr7:5,987,009, A deleted on the plus strand (T on the coding strand, the reverse complement: PMS2 is on the minus strand); the first of 3 consecutive A bases (chr7:5,987,009-5,987,011); deleting any one gives the same sequence. VCF-style (leftmost placement, unchanged base first): chr7-5987008-GA-G. GRCh37 (hg19) VCF-style: chr7-6026639-GA-G.
Other names: c.1445delT, p.Ser483Profs (NM_001406878.1, NM_001406882.1, NM_001406881.1 and 4 more transcripts); c.1436delT, p.Ser480Profs (NM_001406883.1, NM_001406876.1, NM_001406903.1); c.1349delT, p.Ser451Profs (NM_001018040.1, NM_001406887.1, NM_001406888.1 and 13 more transcripts); c.1351del, p.Ser451fs (NM_001322003.2, NM_001322004.2, NM_001322005.2 and 1 more transcripts); c.1600del, p.Ser534fs (NM_001322006.2); c.1438del, p.Ser480fs (NM_001322007.2, NM_001322008.2); c.1195del, p.Ser399fs (NM_001322010.2); c.823del, p.Ser275fs (NM_001322011.2, NM_001322012.2); and 20 more; short protein forms S451fs, S534fs, S275fs, S395fs, S399fs, S480fs, S586fs, S483fs.
Identifiers: ClinVar variation 1779474 (VCV001779474.3), dbSNP rs2535738640, ClinGen allele CA2580076892.